The following is an entry in ClinVar:

NM_015338.6(ASXL1):c.1683G>A (p.Gln561=)

Gene: ASXL1 (ASXL transcriptional regulator 1; plus strand). Cytogenetic location: 20q11.21.
Variant type: single nucleotide variant.
Coding change: c.1683G>A on transcript NM_015338.6 (MANE Select); coding-DNA position 1683, G replaced by A.
Protein change: p.Gln561=; no amino-acid change (glutamine 561 retained).
Molecular consequence: synonymous variant.
Genome position (GRCh38, 1-based): chr20:32,433,881, G>A. VCF-style: chr20-32433881-G-A. GRCh37 (hg19) VCF-style: chr20-31021684-G-A.
Other names: c.1500G>A, p.Gln500= (NM_001363734.1).
Identifiers: ClinVar variation 1691790 (VCV001691790.4), dbSNP rs2123270851, ClinGen allele CA510201239.

ClinVar aggregate classification (germline): Conflicting classifications of pathogenicity. Review status: criteria provided, conflicting classifications (1 of 4 stars). 3 submissions from 3 submitters: Uncertain significance (1); Likely benign (2). Last evaluated 2025-05-13.

Conditions:
Inborn genetic diseases. Identifiers: MedGen C0950123, MeSH D030342.

gnomAD v4.1: 1 of 1,613,682 alleles (0.000062%); no homozygotes.

Submissions (3):

Labcorp Genetics (formerly Invitae), Labcorp
Classification: Likely benign. Last evaluated: 2025-05-13. Review status: criteria provided, single submitter. Criteria: Invitae Variant Classification Sherloc (09022015). Collection method: clinical testing. Allele origin: germline.

Ambry Genetics
Classification: Likely benign for Inborn genetic diseases. Last evaluated: 2025-02-14. Review status: criteria provided, single submitter. Criteria: Ambry Variant Classification Scheme 2023. Collection method: clinical testing. Allele origin: germline.

GeneDx
Classification: Uncertain significance. Last evaluated: 2021-12-16. Review status: criteria provided, single submitter. Criteria: GeneDx Variant Classification Process June 2021. Collection method: clinical testing. Allele origin: germline. Affected: yes.
Comment: Not observed at significant frequency in large population cohorts (gnomAD); In silico analysis supports that this variant does not alter splicing; Has not been previously published as pathogenic or benign to our knowledge